The following is an entry in ClinVar:

ClinVar aggregate classification (germline): Uncertain significance (1 of 4 stars; one submission).

Conditions:
Dilated cardiomyopathy 1W (CMD1W). Identifiers: Orphanet 154, MedGen C1969639, MONDO:0012667, OMIM 611407.

Submission:

Labcorp Genetics (formerly Invitae), Labcorp
Classification: Uncertain significance for Dilated cardiomyopathy 1W. Last evaluated: 2023-11-24. Review status: criteria provided, single submitter. Criteria: Invitae Variant Classification Sherloc (09022015). Collection method: clinical testing. Allele origin: germline.
Comment: This sequence change replaces tyrosine, which is neutral and polar, with aspartic acid, which is acidic and polar, at codon 107 of the VCL protein (p.Tyr107Asp). This variant is not present in population databases (gnomAD no frequency). This variant has not been reported in the literature in individuals affected with VCL-related conditions. An algorithm developed to predict the effect of missense changes on protein structure and function (PolyPhen-2) suggests that this variant is likely to be disruptive. In summary, the available evidence is currently insufficient to determine the role of this variant in disease. Therefore, it has been classified as a Variant of Uncertain Significance.

NM_014000.3(VCL):c.319T>G (p.Tyr107Asp)

Gene: VCL (vinculin; plus strand). Cytogenetic location: 10q22.2.
Variant type: single nucleotide variant.
Coding change: c.319T>G on transcript NM_014000.3 (MANE Select); coding-DNA position 319, T replaced by G.
Protein change: p.Tyr107Asp; replaces tyrosine 107 with aspartic acid.
Molecular consequence: missense variant.
Genome position (GRCh38, 1-based): chr10:74,070,749, T>G. VCF-style: chr10-74070749-T-G. GRCh37 (hg19) VCF-style: chr10-75830507-T-G.
Other names: c.319T>G, p.Tyr107Asp (NM_003373.4); short protein forms Y107D.
Identifiers: ClinVar variation 2698712 (VCV002698712.3), dbSNP rs2549212026, ClinGen allele CA377265928.
Genomic context (GRCh38, chr10:74,070,749, plus strand): 5'-AAGCTTGTCCAGGCAGCTCAGATGCTTCAGTCAGACCCTTACTCAGTGCCTGCTCGAGAT[T>G]ATCTAATTGATGGGTCAAGGGGCATCCTCTCTGGAACATCAGACCTGCTCCTTACCTTCG-3'
Protein context (NP_054706.1, residues 97-117): SDPYSVPARD[Tyr107Asp]LIDGSRGILS